The following is an entry in ClinVar:

NM_001130987.2(DYSF):c.1576G>T (p.Val526Leu)

Gene: DYSF (dysferlin; plus strand). Cytogenetic location: 2p13.2.
Variant type: single nucleotide variant.
Coding change: c.1576G>T on transcript NM_001130987.2 (MANE Select); coding-DNA position 1576, G replaced by T.
Protein change: p.Val526Leu; replaces valine 526 with leucine.
Molecular consequence: missense variant. On other transcripts: nonsense (6).
Genome position (GRCh38, 1-based): chr2:71,539,239, G>T. VCF-style: chr2-71539239-G-T. GRCh37 (hg19) VCF-style: chr2-71766369-G-T.
Other names: NC_000002.11:g.71766369G>T; c.1483G>T, p.Glu495Ter (NM_001130455.2, NM_001130983.2); c.1480G>T, p.Val494Leu (NM_001130976.2, NM_001130977.2); c.1480G>T, p.Glu494Ter (NM_001130978.2, NM_003494.4); c.1573G>T, p.Glu525Ter (NM_001130979.2); c.1573G>T, p.Val525Leu (NM_001130980.2, NM_001130981.2); c.1576G>T, p.Glu526Ter (NM_001130982.2); c.1483G>T, p.Val495Leu (NM_001130984.2, NM_001130986.2); and 1 more; short protein forms V526L, E494*, E525*, V495L, E495*, E526*, V494L, V525L.
Identifiers: ClinVar variation 290700 (VCV000290700.11), dbSNP rs886044537, ClinGen allele CA10606882.

ClinVar aggregate classification (germline): Pathogenic. Review status: criteria provided, multiple submitters, no conflicts (2 of 4 stars). 4 submissions from 4 submitters: Pathogenic (4). Last evaluated 2024-10-24.

Conditions:
Autosomal recessive limb-girdle muscular dystrophy type 2B (LGMDR2). Also called: MUSCULAR DYSTROPHY, LIMB-GIRDLE, TYPE 3; Limb-Girdle Muscular Dystrophy Type 2B (LGMD2B); MUSCULAR DYSTROPHY, LIMB-GIRDLE, AUTOSOMAL RECESSIVE 2; Limb-girdle muscular dystrophy, type 2B. Identifiers: Orphanet 268, MedGen C1850889, MONDO:0009676, OMIM 253601.

Allele frequency attached by ClinVar (database versions not stated): gnomAD exomes below 0.00001.
gnomAD v4.1: 1 of 1,613,662 alleles (0.000062%); highest among the groups gnomAD compares: Admixed American, 0.0017%; no homozygotes.

Submissions (5):

Natera, Inc.
Classification: Pathogenic for Limb-girdle muscular dystrophy type 2B. Last evaluated: 2024-10-24. Review status: criteria provided, single submitter. Criteria: Natera Variant Classification Schema (03/2026). Collection method: clinical testing. Allele origin: germline.
Comment: The c.1480G>T variant in DYSF is a nonsense variant predicted to introduce a stop codon at amino acid 494. This variant is expected to result in nonsense mediated decay, truncation, or a dysfunctional protein product. This variant is rare in the general population with a frequency below the threshold expected for the associated phenotype(s). This variant has been observed in one or more individuals affected with the associated recessive disease, as either homozygous or compound heterozygous with a second variant (PMID: 36319958). Given the available evidence, this variant is classified as Pathogenic.

Revvity Omics, Revvity
Classification: Pathogenic. Last evaluated: 2020-10-26. Review status: criteria provided, single submitter. Criteria: ACMG Guidelines, 2015. Collection method: clinical testing. Allele origin: germline.

Athena Diagnostics
Classification: Pathogenic. Last evaluated: 2016-09-27. Review status: criteria provided, single submitter. Criteria: Athena Diagnostics Criteria. Collection method: clinical testing. Allele origin: germline.

Eurofins Ntd Llc (ga)
Classification: Pathogenic. Last evaluated: 2016-09-05. Review status: criteria provided, single submitter. Criteria: EGL Classification Definitions 2015. Collection method: clinical testing. Allele origin: germline. Observed: 1 variant allele, 1 heterozygote.

Dr. Peter K. Rogan Lab, Western University
No classification provided (evidence only). Condition: Acute myeloid leukemia. Review status: no classification provided. Collection method: in vitro. Allele origin: not applicable. Functional consequence: retained intron. Not counted in ClinVar's aggregate classification.

Literature cited by the submitters: PubMed 36319958 (cited by Natera, Inc.).